The following is an entry in ClinVar:

ClinVar aggregate classification (germline): Uncertain significance (1 of 4 stars; one submission).

Conditions:
Bohring-Opitz syndrome. Also called: C-LIKE SYNDROME; BOHRING SYNDROME; OPITZ TRIGONOCEPHALY-LIKE SYNDROME; ASXL1-Related Bohring-Opitz Syndrome. Identifiers: Orphanet 97297, MedGen C0796232, MONDO:0011510, OMIM 605039.

Submission:

Victorian Clinical Genetics Services, Murdoch Childrens Research Institute
Classification: Uncertain significance for Bohring-Opitz syndrome. Last evaluated: 2022-02-02. Review status: criteria provided, single submitter. Criteria: ACMG Guidelines, 2015. Collection method: clinical testing. Allele origin: germline. Inheritance: Autosomal dominant inheritance.
Comment: Based on the classification scheme VCGS_Germline_v1.3.4, this variant is classified as VUS-3B. Following criteria are met: 0102 - Loss of function is a known mechanism of disease in this gene and is associated with Bohring-Opitz syndrome (MIM#605039). (I) 0107 - This gene is associated with autosomal dominant disease. (I) 0200 - Variant is predicted to result in a missense amino acid change from glutamic acid to glycine. (I) 0251 - This variant is heterozygous. (I) 0301 - Variant is absent from gnomAD (both v2 and v3). (SP) 0309 - An alternative amino acid change at the same position has been observed in gnomAD (v2: 1 heterozygote, 0 homozygotes). (I) 0502 - Missense variant with conflicting in silico predictions and uninformative conservation. (I) 0604 - Variant is not located in an established domain, motif, hotspot or informative constraint region. (I) 0705 - No comparable missense variants have previous evidence for pathogenicity. (I) 0807 - This variant has no previous evidence of pathogenicity. (I) 0905 - No published segregation evidence has been identified for this variant. (I) 1007 - No published functional evidence has been identified for this variant. (I) 1208 - Inheritance information for this variant is not currently available in this individual. (I) Legend: (SP) - Supporting pathogenic, (I) - Information, (SB) - Supporting benign

NM_015338.6(ASXL1):c.1610A>G (p.Glu537Gly)

Gene: ASXL1 (ASXL transcriptional regulator 1; plus strand). Cytogenetic location: 20q11.21.
Variant type: single nucleotide variant.
Coding change: c.1610A>G on transcript NM_015338.6 (MANE Select); coding-DNA position 1610, A replaced by G.
Protein change: p.Glu537Gly; replaces glutamic acid 537 with glycine.
Molecular consequence: missense variant.
Genome position (GRCh38, 1-based): chr20:32,433,808, A>G. VCF-style: chr20-32433808-A-G. GRCh37 (hg19) VCF-style: chr20-31021611-A-G.
Other names: c.1427A>G, p.Glu476Gly (NM_001363734.1); short protein forms E476G, E537G.
Identifiers: ClinVar variation 1699128 (VCV001699128.3), dbSNP rs2123268579, ClinGen allele CA408557497.
Genomic context (GRCh38, chr20:32,433,808, plus strand): 5'-AGGAACCCAAGGATCAGAAGAGGAAATCCTTTGAGCAGGCGGCCTCTGCATCCTTTCCCG[A>G]AAAGAAGCCCCGGCTTGAAGATCGTCAGTCCTTTCGTAACACAATTGAAAGTGTTCACAC-3'
Protein context (NP_056153.2, residues 527-547): FEQAASASFP[Glu537Gly]KKPRLEDRQS